The following is an entry in ClinVar:

NM_022765.4(MICAL1):c.1100C>T (p.Thr367Met)

Gene: MICAL1 (microtubule associated monooxygenase, calponin and LIM domain containing 1; minus strand). Cytogenetic location: 6q21.
Variant type: single nucleotide variant.
Coding change: c.1100C>T on transcript NM_022765.4 (MANE Select); coding-DNA position 1100, C replaced by T.
Protein change: p.Thr367Met; replaces threonine 367 with methionine.
Molecular consequence: missense variant. On other transcripts: intron variant (1).
Genome position (GRCh38, 1-based): chr6:109,450,391, G>A on the plus strand (C>T on the coding strand, the complement: MICAL1 is on the minus strand). VCF-style: chr6-109450391-G-A. GRCh37 (hg19) VCF-style: chr6-109771594-G-A.
Other names: c.1157C>T, p.Thr386Met (NM_001286613.2); c.934-306C>T (NM_001159291.2); short protein forms T367M, T386M.
Identifiers: ClinVar variation 1413147 (VCV001413147.6), dbSNP rs148805806, ClinGen allele CA3953506.
Genomic context (GRCh38, chr6:109,450,391, plus strand): 5'-AGCAGGCGGGCGCCATGCTTCTCTTGCACACGAGCAGAACTCTCTGCCCGCATCATGCTC[G>A]TGAAGTCAAAGGCAGAGACATCAGGCTGCCCATGGGCATCCTGGGCAAACTCTAGTTTCC-3'
Protein context (NP_073602.3, residues 357-377): GQPDVSAFDF[Thr367Met]SMMRAESSAR

ClinVar aggregate classification (germline): Uncertain significance (1 of 4 stars; one submission).

Allele frequency attached by ClinVar (database versions not stated): 1000 Genomes Project 30x 0.00016; 1000 Genomes Project 0.00020; gnomAD 0.00029 and 0.00031; TOPMed 0.00031; gnomAD exomes 0.00049; ESP Exome Variant Server 0.00062.
gnomAD v4.1: 738 of 1,613,490 alleles (0.046%); highest among the groups gnomAD compares: Non-Finnish European, 0.061%; 2 homozygotes.

Submission:

Labcorp Genetics (formerly Invitae), Labcorp
Classification: Uncertain significance. Last evaluated: 2026-02-02. Review status: criteria provided, single submitter. Criteria: Invitae Variant Classification Sherloc (09022015). Collection method: clinical testing. Allele origin: germline.
Comment: This sequence change replaces threonine, which is neutral and polar, with methionine, which is neutral and non-polar, at codon 386 of the MICAL1 protein (p.Thr386Met). This variant is present in population databases (rs148805806, gnomAD 0.05%), and has an allele count higher than expected for a pathogenic variant. This variant has not been reported in the literature in individuals affected with MICAL1-related conditions. ClinVar contains an entry for this variant (Variation ID: 1413147). An algorithm developed to predict the effect of missense changes on protein structure and function (PolyPhen-2) suggests that this variant is likely to be disruptive. In summary, the available evidence is currently insufficient to determine the role of this variant in disease. Therefore, it has been classified as a Variant of Uncertain Significance.